The following is an entry in ClinVar:

ClinVar aggregate classification (germline): Uncertain significance (1 of 4 stars; one submission).

Conditions:
Familial sleep-related hypermotor epilepsy. Also called: Autosomal Dominant Sleep-Related Hypermotor (Hyperkinetic) Epilepsy. Identifiers: Orphanet 98784, MedGen C3696898, MONDO:0000030.

Allele frequency attached by ClinVar (database versions not stated): TOPMed below 0.00001; gnomAD exomes 0.00001.
gnomAD v4.1: 8 of 1,613,552 alleles (0.0005%); highest among the groups gnomAD compares: African/African-American, 0.0027%; no homozygotes.

Submission:

Labcorp Genetics (formerly Invitae), Labcorp
Classification: Uncertain significance. Last evaluated: 2022-02-05. Review status: criteria provided, single submitter. Criteria: Invitae Variant Classification Sherloc (09022015). Collection method: clinical testing. Allele origin: germline.
Comment: In summary, the available evidence is currently insufficient to determine the role of this variant in disease. Therefore, it has been classified as a Variant of Uncertain Significance. Algorithms developed to predict the effect of missense changes on protein structure and function are either unavailable or do not agree on the potential impact of this missense change (SIFT: "Deleterious"; PolyPhen-2: "Probably Damaging"; Align-GVGD: "Class C0"). ClinVar contains an entry for this variant (Variation ID: 944951). This variant has not been reported in the literature in individuals affected with CHRNA4-related conditions. This variant is not present in population databases (gnomAD no frequency). This sequence change replaces valine, which is neutral and non-polar, with methionine, which is neutral and non-polar, at codon 215 of the CHRNA4 protein (p.Val215Met).

NM_000744.7(CHRNA4):c.643G>A (p.Val215Met)

Gene: CHRNA4 (cholinergic receptor nicotinic alpha 4 subunit; minus strand). Cytogenetic location: 20q13.33.
Variant type: single nucleotide variant.
Coding change: c.643G>A on transcript NM_000744.7 (MANE Select); coding-DNA position 643, G replaced by A.
Protein change: p.Val215Met; replaces valine 215 with methionine.
Molecular consequence: missense variant. On other transcripts: non-coding transcript variant (1).
Genome position (GRCh38, 1-based): chr20:63,350,768, C>T on the plus strand (G>A on the coding strand, the complement: CHRNA4 is on the minus strand). VCF-style: chr20-63350768-C-T. GRCh37 (hg19) VCF-style: chr20-61982120-C-T.
Other names: c.115G>A, p.Val39Met (NM_001256573.2); short protein forms V39M, V215M.
Identifiers: ClinVar variation 944951 (VCV000944951.9), dbSNP rs918550714, ClinGen allele CA317436134.